The following is an entry in ClinVar:

ClinVar aggregate classification (germline): Uncertain significance (1 of 4 stars; one submission).

Conditions:
Developmental and epileptic encephalopathy, 23 (DEE23). Also called: Epileptic encephalopathy, early infantile, 23. Identifiers: Orphanet 411986, MedGen C4014492, MONDO:0014371, OMIM 615859.

Submission:

Labcorp Genetics (formerly Invitae), Labcorp
Classification: Uncertain significance for Developmental and epileptic encephalopathy, 23. Last evaluated: 2024-10-22. Review status: criteria provided, single submitter. Criteria: Invitae Variant Classification Sherloc (09022015). Collection method: clinical testing. Allele origin: germline.
Comment: This sequence change replaces glutamic acid, which is acidic and polar, with aspartic acid, which is acidic and polar, at codon 277 of the DOCK7 protein (p.Glu277Asp). This variant is not present in population databases (gnomAD no frequency). This variant has not been reported in the literature in individuals affected with DOCK7-related conditions. ClinVar contains an entry for this variant (Variation ID: 1376467). Invitae Evidence Modeling of protein sequence and biophysical properties (such as structural, functional, and spatial information, amino acid conservation, physicochemical variation, residue mobility, and thermodynamic stability) indicates that this missense variant is not expected to disrupt DOCK7 protein function with a negative predictive value of 80%. In summary, the available evidence is currently insufficient to determine the role of this variant in disease. Therefore, it has been classified as a Variant of Uncertain Significance.

NM_001367561.1(DOCK7):c.831A>T (p.Glu277Asp)

Gene: DOCK7 (dedicator of cytokinesis 7; minus strand). Cytogenetic location: 1p31.3.
Variant type: single nucleotide variant.
Coding change: c.831A>T on transcript NM_001367561.1 (MANE Select); coding-DNA position 831, A replaced by T.
Protein change: p.Glu277Asp; replaces glutamic acid 277 with aspartic acid.
Molecular consequence: missense variant.
Genome position (GRCh38, 1-based): chr1:62,636,591, T>A on the plus strand (A>T on the coding strand, the complement: DOCK7 is on the minus strand). VCF-style: chr1-62636591-T-A. GRCh37 (hg19) VCF-style: chr1-63102262-T-A.
Other names: c.831A>T, p.Glu277Asp (NM_001271999.2, NM_001272000.2, NM_001272001.2 and 3 more transcripts); short protein forms E277D.
Identifiers: ClinVar variation 1376467 (VCV001376467.6), dbSNP rs2149641839, ClinGen allele CA340623246.